The following is an entry in ClinVar:

ClinVar aggregate classification (germline): Uncertain significance (1 of 4 stars; one submission).

Conditions:
Emery-Dreifuss muscular dystrophy 5, autosomal dominant (EDMD5). Also called: EMERY-DREIFUSS MUSCULAR DYSTROPHY 5. Identifiers: Orphanet 261, MedGen C2751805, MONDO:0013072, OMIM 612999.

Submission:

Labcorp Genetics (formerly Invitae), Labcorp
Classification: Uncertain significance for Emery-Dreifuss muscular dystrophy 5, autosomal dominant. Last evaluated: 2022-07-06. Review status: criteria provided, single submitter. Criteria: Invitae Variant Classification Sherloc (09022015). Collection method: clinical testing. Allele origin: germline.
Comment: This sequence change replaces leucine, which is neutral and non-polar, with serine, which is neutral and polar, at codon 5509 of the SYNE2 protein (p.Leu5509Ser). This variant is not present in population databases (gnomAD no frequency). In summary, the available evidence is currently insufficient to determine the role of this variant in disease. Therefore, it has been classified as a Variant of Uncertain Significance. Algorithms developed to predict the effect of missense changes on protein structure and function output the following: SIFT: "Tolerated"; PolyPhen-2: "Possibly Damaging"; Align-GVGD: "Class C0". The serine amino acid residue is found in multiple mammalian species, which suggests that this missense change does not adversely affect protein function. This variant has not been reported in the literature in individuals affected with SYNE2-related conditions.

NM_182914.3(SYNE2):c.16526T>C (p.Leu5509Ser)

Gene: SYNE2 (spectrin repeat containing nuclear envelope protein 2; plus strand). Cytogenetic location: 14q23.2.
Variant type: single nucleotide variant.
Coding change: c.16526T>C on transcript NM_182914.3 (MANE Select); coding-DNA position 16526, T replaced by C.
Protein change: p.Leu5509Ser; replaces leucine 5509 with serine.
Molecular consequence: missense variant.
Genome position (GRCh38, 1-based): chr14:64,165,331, T>C. VCF-style: chr14-64165331-T-C. GRCh37 (hg19) VCF-style: chr14-64632049-T-C.
Other names: c.16526T>C, p.Leu5509Ser (NM_015180.6); short protein forms L5509S.
Identifiers: ClinVar variation 2014571 (VCV002014571.4), dbSNP rs2549576943, ClinGen allele CA389962409.
Genomic context (GRCh38, chr14:64,165,331, plus strand): 5'-TTCTCTTGTTCTAGTTTGTTCTCTCACAGTTTAAGGATTTTGGAGTCCGGCTGGAATCTT[T>C]AAAAGGTCTTATTATGCATGAAGAAGAGAATTTGGATAGACTTCACCAACAGGAAAAAGA-3'
Protein context (NP_878918.2, residues 5499-5519): FKDFGVRLES[Leu5509Ser]KGLIMHEEEN